The following is an entry in ClinVar:

NM_015215.4(CAMTA1):c.2293T>C (p.Phe765Leu)

Gene: CAMTA1 (calmodulin binding transcription activator 1; plus strand). Cytogenetic location: 1p36.23.
Variant type: single nucleotide variant.
Coding change: c.2293T>C on transcript NM_015215.4 (MANE Select); coding-DNA position 2293, T replaced by C.
Protein change: p.Phe765Leu; replaces phenylalanine 765 with leucine.
Molecular consequence: missense variant.
Genome position (GRCh38, 1-based): chr1:7,664,840, T>C. VCF-style: chr1-7664840-T-C. GRCh37 (hg19) VCF-style: chr1-7724900-T-C.
Other names: c.2203T>C, p.Phe735Leu (NM_001349608.2, NM_001349612.2); c.2293T>C, p.Phe765Leu (NM_001349609.2, NM_001349610.2, NM_001410737.1); c.2221T>C, p.Phe741Leu (NM_001410738.1); short protein forms F735L, F741L, F765L.
Identifiers: ClinVar variation 3390818 (VCV003390818.1).

ClinVar aggregate classification (germline): Uncertain significance (1 of 4 stars; one submission).

Submission:

GeneDx
Classification: Uncertain significance. Last evaluated: 2024-06-13. Review status: criteria provided, single submitter. Criteria: GeneDx Variant Classification Process June 2021. Collection method: clinical testing. Allele origin: germline. Affected: yes.
Comment: Not observed at significant frequency in large population cohorts (gnomAD); In silico analysis supports that this missense variant has a deleterious effect on protein structure/function; Has not been previously published as pathogenic or benign to our knowledge